The following is an entry in ClinVar:

NM_005035.4(POLRMT):c.1312C>T (p.Arg438Trp)

Gene: POLRMT (RNA polymerase mitochondrial; minus strand). Cytogenetic location: 19p13.3.
Variant type: single nucleotide variant.
Coding change: c.1312C>T on transcript NM_005035.4 (MANE Select); coding-DNA position 1312, C replaced by T.
Protein change: p.Arg438Trp; replaces arginine 438 with tryptophan.
Molecular consequence: missense variant.
Genome position (GRCh38, 1-based): chr19:622,964, G>A on the plus strand (C>T on the coding strand, the complement: POLRMT is on the minus strand). VCF-style: chr19-622964-G-A. GRCh37 (hg19) VCF-style: chr19-622964-G-A.
Other names: c.1312C>T, p.Arg438Trp (NM_001407805.1, NM_001407806.1, NM_001407808.1 and 8 more transcripts); c.1300C>T, p.Arg434Trp (NM_001407807.1, NM_001407810.1); c.1270C>T, p.Arg424Trp (NM_001407811.1, NM_001407813.1); c.988C>T, p.Arg330Trp (NM_001407831.1, NM_001407833.1, NM_001407834.1 and 2 more transcripts); short protein forms R330W, R424W, R434W, R438W.
Identifiers: ClinVar variation 2358288 (VCV002358288.25), dbSNP rs553666754, ClinGen allele CA9020337.

ClinVar aggregate classification (germline): Conflicting classifications of pathogenicity. Review status: criteria provided, conflicting classifications (1 of 4 stars). 2 submissions from 2 submitters: Uncertain significance (1); Likely benign (1). Last evaluated 2024-07-30.

Allele frequency attached by ClinVar (database versions not stated): ExAC 0.00004; gnomAD 0.00012; 1000 Genomes Project 30x 0.00016; 1000 Genomes Project 0.00020; TOPMed 0.00021.
gnomAD v4.1: 52 of 1,612,740 alleles (0.0032%); highest among the groups gnomAD compares: Admixed American, 0.047%; 1 homozygote.

Submissions (2):

Ambry Genetics
Classification: Uncertain significance. Last evaluated: 2024-07-30. Review status: criteria provided, single submitter. Criteria: Ambry Variant Classification Scheme 2023. Collection method: clinical testing. Allele origin: germline.

CeGaT Center for Human Genetics Tuebingen
Classification: Likely benign. Last evaluated: 2024-01-01. Review status: criteria provided, single submitter. Criteria: CeGaT Center For Human Genetics Tuebingen Variant Classification Criteria Version 2. Collection method: clinical testing. Allele origin: germline. Affected: yes. Observed: 1 variant allele.
Comment: POLRMT: BP4